The following is an entry in ClinVar:

ClinVar aggregate classification (germline): Uncertain significance. Review status: criteria provided, multiple submitters, no conflicts (2 of 4 stars). 2 submissions from 2 submitters: Uncertain significance (2). Last evaluated 2024-01-26.

Conditions:
Peroxisome biogenesis disorder type 3B. Identifiers: Orphanet 44, Orphanet 772, MedGen C3550693, MONDO:0009959, OMIM 266510.
Peroxisome biogenesis disorder 3A (Zellweger). Also called: PEROXISOMAL BIOGENESIS DISORDER 3A (ZELLWEGER); Peroxisome biogenesis disorder 3A. Identifiers: Orphanet 912, MedGen C3553929, MONDO:0013927, OMIM 614859.

Submissions (2):

3billion
Classification: Uncertain significance for Peroxisome biogenesis disorder type 3B. Last evaluated: 2024-01-26. Review status: criteria provided, single submitter. Criteria: ACMG Guidelines, 2015. Collection method: clinical testing. Allele origin: germline. Affected: yes.
Comment: The variant is not observed in the gnomAD v2.1.1 dataset. Predicted Consequence/Location: The majority of the known disease-causing variants of this gene are variants expected to result in premature termination of the protein. In silico tool predictions suggest damaging effect of the variant on gene or gene product [REVEL: 0.88 (>=0.6, sensitivity 0.68 and specificity 0.92)]. Therefore, this variant is classified as VUS according to the recommendation of ACMG/AMP guideline.

Labcorp Genetics (formerly Invitae), Labcorp
Classification: Uncertain significance for Peroxisome biogenesis disorder 3A (Zellweger). Last evaluated: 2021-12-02. Review status: criteria provided, single submitter. Criteria: Invitae Variant Classification Sherloc (09022015). Collection method: clinical testing. Allele origin: germline.
Comment: In summary, the available evidence is currently insufficient to determine the role of this variant in disease. Therefore, it has been classified as a Variant of Uncertain Significance. Algorithms developed to predict the effect of missense changes on protein structure and function are either unavailable or do not agree on the potential impact of this missense change (SIFT: "Deleterious"; PolyPhen-2: "Probably Damaging"; Align-GVGD: "Class C0"). This variant has not been reported in the literature in individuals affected with PEX12-related conditions. This variant is not present in population databases (gnomAD no frequency). This sequence change replaces alanine, which is neutral and non-polar, with proline, which is neutral and non-polar, at codon 36 of the PEX12 protein (p.Ala36Pro).

NM_000286.3(PEX12):c.106G>C (p.Ala36Pro)

Gene: PEX12 (peroxisomal biogenesis factor 12; minus strand). Cytogenetic location: 17q12.
Variant type: single nucleotide variant.
Coding change: c.106G>C on transcript NM_000286.3 (MANE Select); coding-DNA position 106, G replaced by C.
Protein change: p.Ala36Pro; replaces alanine 36 with proline.
Molecular consequence: missense variant.
Genome position (GRCh38, 1-based): chr17:35,577,916, C>G on the plus strand (G>C on the coding strand, the complement: PEX12 is on the minus strand). VCF-style: chr17-35577916-C-G. GRCh37 (hg19) VCF-style: chr17-33904935-C-G.
Other names: short protein forms A36P.
Identifiers: ClinVar variation 1401041 (VCV001401041.7), dbSNP rs2142231624, ClinGen allele CA399138862.